The following is an entry in ClinVar:

NM_000059.4(BRCA2):c.673ACT[1] (p.Thr226del)

Gene: BRCA2 (BRCA2 DNA repair associated; plus strand). Cytogenetic location: 13q13.1.
Variant type: Microsatellite.
Coding change: c.673ACT[1] on transcript NM_000059.4 (MANE Select); one copy of the 3-base unit ACT starting at c.673; the reference has two copies in a row; one copy, 3 bases deleted.
Protein change: p.Thr226del; deletes threonine 226.
Molecular consequence: inframe deletion.
Genome position (GRCh38, 1-based): chr13:32,329,487-32,329,489, ACT deleted; deleting any 3 consecutive bases within chr13:32,329,483-32,329,489 gives the same sequence; the position shown is the placement nearest the transcript's 3' end. VCF-style (leftmost placement, unchanged base first): chr13-32329482-ATAC-A. GRCh37 (hg19) VCF-style: chr13-32903619-ATAC-A.
Other names: c.676_678delACT (NM_000059.3); short protein forms T226del.
Identifiers: ClinVar variation 560355 (VCV000560355.46), dbSNP rs1566220661, ClinGen allele CA658823644.

ClinVar aggregate classification (germline): Uncertain significance. Review status: criteria provided, multiple submitters, no conflicts (2 of 4 stars). 4 submissions from 4 submitters: Uncertain significance (3). 1 of the submissions does not count toward it. Last evaluated 2024-05-08.

Conditions:
Hereditary breast ovarian cancer syndrome. Also called: BRCA1- and BRCA2-Associated Hereditary Breast and Ovarian Cancer; Hereditary breast and ovarian cancer; Hereditary breast and ovarian cancer syndrome; Hereditary breast and ovarian cancer syndrome (HBOC); Breast and ovarian cancer; Hereditary breast and/or ovarian cancer syndrome. Identifiers: Orphanet 145, MedGen C0677776, MeSH D061325, MONDO:0003582. Disease mechanism: loss of function.
Ovarian neoplasm. Also called: Neoplasm of ovary; Ovarian tumor; Ovarian Neoplasms. Identifiers: MedGen C0919267, MeSH D010051, MONDO:0021068, HP:0100615.
Hereditary cancer-predisposing syndrome. Also called: Tumor predisposition; Hereditary Cancer Syndrome; Hereditary neoplastic syndrome; Neoplastic Syndromes, Hereditary. Identifiers: Orphanet 140162, MedGen C0027672, MeSH D009386, MONDO:0015356.

Submissions (4):

Ambry Genetics
Classification: Uncertain significance for Hereditary cancer-predisposing syndrome. Last evaluated: 2024-05-08. Review status: criteria provided, single submitter. Criteria: Ambry Variant Classification Scheme 2023. Collection method: clinical testing. Allele origin: germline.
Comment: The c.676_678delACT variant (also known as p.T226del) is located in coding exon 7 of the BRCA2 gene. This variant results from an in-frame ACT deletion at nucleotide positions 676 to 678. This results in the in-frame deletion of a threonine at codon 226. This amino acid position is not well conserved in available vertebrate species. In addition, the in silico prediction for this alteration is inconclusive (Choi Y et al. PLoS ONE. 2012; 7(10):e46688). Based on the available evidence, the clinical significance of this variant remains unclear.

Labcorp Genetics (formerly Invitae), Labcorp
Classification: Uncertain significance for Hereditary breast ovarian cancer syndrome. Last evaluated: 2024-04-16. Review status: criteria provided, single submitter. Criteria: Invitae Variant Classification Sherloc (09022015). Collection method: clinical testing. Allele origin: germline.
Comment: This variant, c.676_678del, results in the deletion of 1 amino acid(s) of the BRCA2 protein (p.Thr226del), but otherwise preserves the integrity of the reading frame. This variant is not present in population databases (gnomAD no frequency). This variant has been observed in individual(s) with breast cancer (PMID: 35220195). ClinVar contains an entry for this variant (Variation ID: 560355). Experimental studies and prediction algorithms are not available or were not evaluated, and the functional significance of this variant is currently unknown. In summary, the available evidence is currently insufficient to determine the role of this variant in disease. Therefore, it has been classified as a Variant of Uncertain Significance.

CeGaT Center for Human Genetics Tuebingen
Classification: Uncertain significance. Last evaluated: 2018-10-01. Review status: criteria provided, single submitter. Criteria: CeGaT Center For Human Genetics Tuebingen Variant Classification Criteria Version 2. Collection method: clinical testing. Allele origin: germline. Affected: yes. Observed: 1 variant allele.

Institute of Human Genetics, University of Wuerzburg
Classification: Uncertain significance for Ovarian neoplasm. Review status: no assertion criteria provided. Collection method: clinical testing. Allele origin: unknown. Not counted in ClinVar's aggregate classification.

Literature cited by the submitters: PubMed 35220195 (cited by Labcorp Genetics (formerly Invitae), Labcorp).